The following is an entry in ClinVar:

NM_001845.6(COL4A1):c.3536C>G (p.Pro1179Arg)

Gene: COL4A1 (collagen type IV alpha 1 chain; minus strand). Cytogenetic location: 13q34.
Variant type: single nucleotide variant.
Coding change: c.3536C>G on transcript NM_001845.6 (MANE Select); coding-DNA position 3536, C replaced by G.
Protein change: p.Pro1179Arg; replaces proline 1179 with arginine.
Molecular consequence: missense variant.
Genome position (GRCh38, 1-based): chr13:110,172,740, G>C on the plus strand (C>G on the coding strand, the complement: COL4A1 is on the minus strand). VCF-style: chr13-110172740-G-C. GRCh37 (hg19) VCF-style: chr13-110825087-G-C.
Other names: short protein forms P1179R.
Identifiers: ClinVar variation 2134080 (VCV002134080.5), dbSNP rs1877702562, ClinGen allele CA388664025.

ClinVar aggregate classification (germline): Uncertain significance. Review status: criteria provided, multiple submitters, no conflicts (2 of 4 stars). 2 submissions from 2 submitters: Uncertain significance (2). Last evaluated 2023-09-12.

Allele frequency attached by ClinVar (database versions not stated): TOPMed below 0.00001.

Submissions (2):

Revvity Omics, Revvity
Classification: Uncertain significance. Last evaluated: 2023-09-12. Review status: criteria provided, single submitter. Criteria: ACMG Guidelines, 2015. Collection method: clinical testing. Allele origin: germline.

Labcorp Genetics (formerly Invitae), Labcorp
Classification: Uncertain significance. Last evaluated: 2022-10-29. Review status: criteria provided, single submitter. Criteria: Invitae Variant Classification Sherloc (09022015). Collection method: clinical testing. Allele origin: germline.
Comment: In summary, the available evidence is currently insufficient to determine the role of this variant in disease. Therefore, it has been classified as a Variant of Uncertain Significance. Algorithms developed to predict the effect of missense changes on protein structure and function are either unavailable or do not agree on the potential impact of this missense change (SIFT: "Tolerated"; PolyPhen-2: "Probably Damaging"; Align-GVGD: "Class C0"). This variant has not been reported in the literature in individuals affected with COL4A1-related conditions. This variant is not present in population databases (gnomAD no frequency). This sequence change replaces proline, which is neutral and non-polar, with arginine, which is basic and polar, at codon 1179 of the COL4A1 protein (p.Pro1179Arg).